The following is an entry in ClinVar:

NM_001987.5(ETV6):c.613dup (p.Leu205fs)

Gene: ETV6 (ETS variant transcription factor 6; plus strand). Cytogenetic location: 12p13.2.
Variant type: Duplication.
Coding change: c.613dup on transcript NM_001987.5 (MANE Select); coding-DNA position 613, one base duplicated (C; older notation c.613dupC).
Protein change: p.Leu205fs; shifts the reading frame from leucine 205.
Molecular consequence: frameshift variant.
Genome position (GRCh38, 1-based): chr12:11,869,573, C duplicated; the last of 6 consecutive C bases (chr12:11,869,568-11,869,573); duplicating any one gives the same sequence. VCF-style (leftmost placement, unchanged base first): chr12-11869567-T-TC. GRCh37 (hg19) VCF-style: chr12-12022501-T-TC.
Other names: c.610dup, p.Leu204fs (NM_001413913.1); c.586dup, p.Leu196fs (NM_001413914.1); c.349dup, p.Leu117fs (NM_001413915.1); c.613dup, p.Leu205fs (NM_001413916.1, NM_001413917.1); c.607_608insC (NM_001987.4); short protein forms L196fs, L204fs, L117fs, L205fs.
Identifiers: ClinVar variation 4842528 (VCV004842528.1).
Genomic context (GRCh38, chr12:11,869,567, plus strand): 5'-AGGTCACCTATCACGACAAATCACCGGCCTTCTCCTGACCCCGAGCAGCGGCCCCTCCGG[T>TC]CCCCCCTGGACAACATGATCCGCCGCCTCTCCCCGGCTGAGAGAGCTCAGGGACCCAGGC-3'

ClinVar aggregate classification (germline): Pathogenic (1 of 4 stars; one submission).

Conditions:
Inborn genetic diseases. Identifiers: MedGen C0950123, MeSH D030342.

Submission:

Ambry Genetics
Classification: Pathogenic for Inborn genetic diseases. Last evaluated: 2026-01-15. Review status: criteria provided, single submitter. Criteria: Ambry Variant Classification Scheme 2023. Collection method: clinical testing. Allele origin: germline.
Comment: The c.607_608insC pathogenic mutation, located in coding exon 5 of the ETV6 gene, results from an insertion of one nucleotide at position 607, causing a translational frameshift with a predicted alternate stop codon (p.L205Pfs*12). This variant is considered to be rare based on population cohorts in the Genome Aggregation Database (gnomAD). This alteration is expected to result in loss of function by premature protein truncation or nonsense-mediated mRNA decay. As such, this alteration is interpreted as a disease-causing mutation.